The following is an entry in ClinVar:

ClinVar aggregate classification (germline): Uncertain significance (1 of 4 stars; one submission).

Conditions:
Hereditary cancer-predisposing syndrome. Also called: Tumor predisposition; Neoplastic Syndromes, Hereditary; Hereditary neoplastic syndrome; Hereditary Cancer Syndrome. Identifiers: Orphanet 140162, MedGen C0027672, MeSH D009386, MONDO:0015356.

Submission:

Ambry Genetics
Classification: Uncertain significance for Hereditary cancer-predisposing syndrome. Last evaluated: 2024-09-02. Review status: criteria provided, single submitter. Criteria: Ambry Variant Classification Scheme 2023. Collection method: clinical testing. Allele origin: germline.
Comment: The p.R301L variant (also known as c.902G>T), located in coding exon 7 of the STK11 gene, results from a G to T substitution at nucleotide position 902. The arginine at codon 301 is replaced by leucine, an amino acid with dissimilar properties. This amino acid position is conserved. In addition, this alteration is predicted to be tolerated by in silico analysis. Based on the available evidence, the clinical significance of this variant remains unclear.

NM_000455.5(STK11):c.902G>T (p.Arg301Leu)

Gene: STK11 (serine/threonine kinase 11; plus strand). Cytogenetic location: 19p13.3.
Variant type: single nucleotide variant.
Coding change: c.902G>T on transcript NM_000455.5 (MANE Select); coding-DNA position 902, G replaced by T.
Protein change: p.Arg301Leu; replaces arginine 301 with leucine.
Molecular consequence: missense variant. On other transcripts: non-coding transcript variant (1).
Genome position (GRCh38, 1-based): chr19:1,221,988, G>T. VCF-style: chr19-1221988-G-T. GRCh37 (hg19) VCF-style: chr19-1221987-G-T.
Other names: c.902G>T, p.Arg301Leu (NM_001407255.1); short protein forms R301L.
Identifiers: ClinVar variation 3450575 (VCV003450575.1).